The following is an entry in ClinVar:

NM_000388.4(CASR):c.1733A>T (p.Asp578Val)

Gene: CASR (calcium sensing receptor; plus strand). Cytogenetic location: 3q21.1.
Variant type: single nucleotide variant.
Coding change: c.1733A>T on transcript NM_000388.4 (MANE Select); coding-DNA position 1733, A replaced by T.
Protein change: p.Asp578Val; replaces aspartic acid 578 with valine.
Molecular consequence: missense variant.
Genome position (GRCh38, 1-based): chr3:122,283,687, A>T. VCF-style: chr3-122283687-A-T. GRCh37 (hg19) VCF-style: chr3-122002534-A-T.
Other names: c.1763A>T, p.Asp588Val (NM_001178065.2); c.1763A>T (NM_001178065.1); short protein forms D578V, D588V.
Identifiers: ClinVar variation 2598840 (VCV002598840.3), dbSNP rs2107649336, ClinGen allele CA354157058.

ClinVar aggregate classification (germline): Uncertain significance. Review status: criteria provided, multiple submitters, no conflicts (2 of 4 stars). 2 submissions from 2 submitters: Uncertain significance (2). Last evaluated 2023-08-30.

Conditions:
Nephrolithiasis/nephrocalcinosis. Identifiers: MedGen CN580796.
CASR-related disorder. Also called: CASR-related condition.

Submissions (2):

Ambry Genetics
Classification: Uncertain significance for Nephrolithiasis/nephrocalcinosis. Last evaluated: 2023-08-30. Review status: criteria provided, single submitter. Criteria: Ambry Variant Classification Scheme 2023. Collection method: clinical testing. Allele origin: germline.
Comment: Occurs in the first base pair of the exon Based on insufficient or conflicting evidence, the clinical significance of this alteration remains unclear.

PreventionGenetics, part of Exact Sciences
Classification: Uncertain significance for CASR-related condition. Last evaluated: 2023-06-13. Review status: criteria provided, single submitter. Criteria: ACMG Guidelines, 2015. Collection method: clinical testing. Allele origin: germline.
Comment: The CASR c.1763A>T variant is predicted to result in the amino acid substitution p.Asp588Val. To our knowledge, this variant has not been reported in the literature or in a large population database, indicating this variant is rare. At this time, the clinical significance of this variant is uncertain due to the absence of conclusive functional and genetic evidence.